The following is an entry in ClinVar:

ClinVar aggregate classification (germline): Likely benign. Review status: criteria provided, multiple submitters, no conflicts (2 of 4 stars). 3 submissions from 3 submitters: Likely benign (3). Last evaluated 2023-10-27.

Conditions:
Cone-rod dystrophy 7 (CORD7). Identifiers: Orphanet 1872, MedGen C1863634, MONDO:0011355, OMIM 603649.

Allele frequency attached by ClinVar (database versions not stated): gnomAD exomes 0.00001 and 0.00003; ExAC 0.00003; gnomAD 0.00003; TOPMed 0.00005; ESP Exome Variant Server 0.00008.
gnomAD v4.1: 22 of 1,608,016 alleles (0.0014%); highest among the groups gnomAD compares: Admixed American, 0.017%; no homozygotes.

Submissions (3):

Labcorp Genetics (formerly Invitae), Labcorp
Classification: Likely benign. Last evaluated: 2023-10-27. Review status: criteria provided, single submitter. Criteria: Invitae Variant Classification Sherloc (09022015). Collection method: clinical testing. Allele origin: germline.

Blueprint Genetics
Classification: Likely benign. Last evaluated: 2021-12-21. Review status: criteria provided, single submitter. Criteria: ACMG Guidelines, 2015. Collection method: clinical testing. Allele origin: germline.

Illumina Laboratory Services, Illumina
Classification: Likely benign for Cone-rod dystrophy 7. Last evaluated: 2018-01-12. Review status: criteria provided, single submitter. Criteria: ICSL Variant Classification Criteria 13 December 2019. Collection method: clinical testing. Allele origin: germline.
Comment: This variant was observed in the ICSL laboratory as part of a predisposition screen in an ostensibly healthy population. It had not been previously curated by ICSL or reported in the Human Gene Mutation Database (HGMD: prior to June 1st, 2018), and was therefore a candidate for classification through an automated scoring system. Utilizing variant allele frequency, disease prevalence and penetrance estimates, and inheritance mode, an automated score was calculated to assess if this variant is too frequent to cause the disease. Based on the score and internal cut-off values, a variant classified as likely benign is not then subjected to further curation. The score for this variant resulted in a classification of likely benign for this disease.

NM_014989.7(RIMS1):c.1758G>A (p.Thr586=)

Gene: RIMS1 (regulating synaptic membrane exocytosis 1; plus strand). Cytogenetic location: 6q13.
Variant type: single nucleotide variant.
Coding change: c.1758G>A on transcript NM_014989.7 (MANE Select); coding-DNA position 1758, G replaced by A.
Protein change: p.Thr586=; no amino-acid change (threonine 586 retained).
Molecular consequence: synonymous variant. On other transcripts: 5 prime UTR variant (9).
Genome position (GRCh38, 1-based): chr6:72,235,629, G>A. VCF-style: chr6-72235629-G-A. GRCh37 (hg19) VCF-style: chr6-72945332-G-A.
Other names: c.180G>A, p.Thr60= (NM_001168407.2, NM_001168408.2, NM_001350414.2 and 37 more transcripts); c.-64G>A (NM_001168409.2, NM_001350461.2, NM_001350463.2 and 6 more transcripts); c.135G>A, p.Thr45= (NM_001168410.2, NM_001350470.2, NM_001350472.2 and 2 more transcripts); c.111G>A, p.Thr37= (NM_001350421.2, NM_001350424.2, NM_001350428.2 and 6 more transcripts).
Identifiers: ClinVar variation 911299 (VCV000911299.12), dbSNP rs374761298, ClinGen allele CA3885810.